The following is an entry in ClinVar:

ClinVar aggregate classification (germline): Uncertain significance (1 of 4 stars; one submission).

Conditions:
Cardiomyopathy (CMYO). Also called: Cardiomyopathies. Identifiers: Orphanet 167848, MedGen C0878544, MONDO:0004994, HP:0001638. Inheritance: Various modes of inheritance.

Allele frequency attached by ClinVar (database versions not stated): gnomAD exomes below 0.00001.
gnomAD v4.1: 2 of 1,614,012 alleles (0.00012%); highest among the groups gnomAD compares: East Asian, 0.0045%; no homozygotes.

Submission:

Color Diagnostics, LLC DBA Color Health
Classification: Uncertain significance for Cardiomyopathy. Last evaluated: 2024-03-06. Review status: criteria provided, single submitter. Criteria: ACMG Guidelines, 2015. Collection method: clinical testing. Allele origin: germline.
Comment: This missense variant replaces tyrosine with cysteine at codon 130 of the DSG2 protein. Computational prediction suggests that this variant may not impact protein structure and function (internally defined REVEL score threshold <= 0.5, PMID: 27666373). To our knowledge, functional studies have not been reported for this variant. This variant has not been reported in individuals affected with cardiovascular disorders in the literature. This variant has been identified in 1/249248 chromosomes in the general population by the Genome Aggregation Database (gnomAD). The available evidence is insufficient to determine the role of this variant in disease conclusively. Therefore, this variant is classified as a Variant of Uncertain Significance.

NM_001943.5(DSG2):c.389A>G (p.Tyr130Cys)

Gene: DSG2 (desmoglein 2; plus strand). Cytogenetic location: 18q12.1.
Variant type: single nucleotide variant.
Coding change: c.389A>G on transcript NM_001943.5 (MANE Select); coding-DNA position 389, A replaced by G.
Protein change: p.Tyr130Cys; replaces tyrosine 130 with cysteine.
Molecular consequence: missense variant.
Genome position (GRCh38, 1-based): chr18:31,521,109, A>G. VCF-style: chr18-31521109-A-G. GRCh37 (hg19) VCF-style: chr18-29101072-A-G.
Other names: short protein forms Y130C.
Identifiers: ClinVar variation 1172051 (VCV001172051.3), dbSNP rs1169078227, ClinGen allele CA402131823.